The following is an entry in ClinVar:

ClinVar aggregate classification (germline): Pathogenic. Review status: reviewed by expert panel (3 of 4 stars). 2 submissions from 2 submitters: Pathogenic (1). 1 of the submissions does not count toward it. Last evaluated 2016-10-18.

Conditions:
Breast-ovarian cancer, familial, susceptibility to, 2 (BROVCA2). Also called: BRCA2 Hereditary Breast and Ovarian Cancer. Identifiers: Orphanet 145, MedGen C2675520, MONDO:0012933, OMIM 612555. Disease mechanism: loss of function.

Submissions (2):

Evidence-based Network for the Interpretation of Germline Mutant Alleles (ENIGMA)
Classification: Pathogenic for Breast-ovarian cancer, familial, susceptibility to, 2. Last evaluated: 2016-10-18. Review status: reviewed by expert panel. Criteria: ENIGMA BRCA1/2 Classification Criteria (2015). Collection method: curation. Allele origin: germline.
Comment: Variant allele predicted to encode a truncated non-functional protein.

Consortium of Investigators of Modifiers of BRCA1/2 (CIMBA), c/o University of Cambridge
Classification: Pathogenic for Breast-ovarian cancer, familial, susceptibility to, 2. Last evaluated: 2015-10-02. Review status: criteria provided, single submitter. Criteria: CIMBA Mutation Classification guidelines May 2016. Collection method: clinical testing. Allele origin: germline. Not counted in ClinVar's aggregate classification.

NM_000059.4(BRCA2):c.5994del (p.Val1999fs)

Gene: BRCA2 (BRCA2 DNA repair associated; plus strand). Cytogenetic location: 13q13.1.
Variant type: Deletion.
Coding change: c.5994del on transcript NM_000059.4 (MANE Select); coding-DNA position 5994, one base deleted (A; older notation c.5994delA).
Protein change: p.Val1999fs; shifts the reading frame from valine 1999.
Molecular consequence: frameshift variant.
Genome position (GRCh38, 1-based): chr13:32,340,349, A deleted; the last of 2 consecutive A bases (chr13:32,340,348-32,340,349); deleting either gives the same sequence. VCF-style (leftmost placement, unchanged base first): chr13-32340347-CA-C. GRCh37 (hg19) VCF-style: chr13-32914484-CA-C.
Other names: 6222delA; short protein forms V1999fs.
Identifiers: ClinVar variation 266912 (VCV000266912.7), dbSNP rs886040625, ClinGen allele CA10589343.